The following is an entry in ClinVar:

NM_014989.7(RIMS1):c.3335C>T (p.Ala1112Val)

Gene: RIMS1 (regulating synaptic membrane exocytosis 1; plus strand). Cytogenetic location: 6q13.
Variant type: single nucleotide variant.
Coding change: c.3335C>T on transcript NM_014989.7 (MANE Select); coding-DNA position 3335, C replaced by T.
Protein change: p.Ala1112Val; replaces alanine 1112 with valine.
Molecular consequence: missense variant. On other transcripts: intron variant (17).
Genome position (GRCh38, 1-based): chr6:72,265,986, C>T. VCF-style: chr6-72265986-C-T. GRCh37 (hg19) VCF-style: chr6-72975689-C-T.
Other names: c.1565C>T, p.Ala522Val (NM_001350452.2, NM_001350433.2, NM_001168408.2 and 8 more transcripts); c.1562C>T, p.Ala521Val (NM_001350456.2, NM_001350425.2, NM_001350427.2 and 7 more transcripts); c.1502C>T, p.Ala501Val (NM_001350457.2); c.1643C>T, p.Ala548Val (NM_001350458.2); c.1496C>T, p.Ala499Val (NM_001350459.2, NM_001350462.2, NM_001350424.2 and 1 more transcripts); c.1319C>T, p.Ala440Val (NM_001350461.2, NM_001350463.2); c.1322C>T, p.Ala441Val (NM_001350464.2, NM_001350465.2, NM_001168409.2 and 2 more transcripts); c.1493C>T, p.Ala498Val (NM_001350430.2, NM_001350437.2, NM_001350421.2 and 1 more transcripts); and 14 more; short protein forms A499V, A585V, A441V, A500V, A507V, A1112V, A440V, A498V.
Identifiers: ClinVar variation 1439671 (VCV001439671.6), dbSNP rs1309378321, ClinGen allele CA364686268.

ClinVar aggregate classification (germline): Uncertain significance (1 of 4 stars; one submission).

Allele frequency attached by ClinVar (database versions not stated): gnomAD 0.00001; gnomAD exomes 0.00001 and below 0.00001; TOPMed 0.00002.
gnomAD v4.1: 14 of 1,581,044 alleles (0.00089%); highest among the groups gnomAD compares: Non-Finnish European, 0.0012%; no homozygotes.

Submission:

Labcorp Genetics (formerly Invitae), Labcorp
Classification: Uncertain significance. Last evaluated: 2021-08-22. Review status: criteria provided, single submitter. Criteria: Invitae Variant Classification Sherloc (09022015). Collection method: clinical testing. Allele origin: germline.
Comment: In summary, the available evidence is currently insufficient to determine the role of this variant in disease. Therefore, it has been classified as a Variant of Uncertain Significance. Algorithms developed to predict the effect of sequence changes on RNA splicing suggest that this variant may create or strengthen a splice site. Algorithms developed to predict the effect of missense changes on protein structure and function are either unavailable or do not agree on the potential impact of this missense change (SIFT: "Deleterious"; PolyPhen-2: "Probably Damaging"; Align-GVGD: "Class C0"). This variant has not been reported in the literature in individuals affected with RIMS1-related conditions. This variant is not present in population databases (ExAC no frequency). This sequence change replaces alanine with valine at codon 1112 of the RIMS1 protein (p.Ala1112Val). The alanine residue is highly conserved and there is a small physicochemical difference between alanine and valine.